The following is an entry in ClinVar:

ClinVar aggregate classification (germline): Likely pathogenic (1 of 4 stars; one submission).

Conditions:
Autosomal recessive limb-girdle muscular dystrophy type 2J (LGMDR10). Also called: Limb-girdle muscular dystrophy, type 2J; MUSCULAR DYSTROPHY, LIMB-GIRDLE, AUTOSOMAL RECESSIVE 10. Identifiers: Orphanet 140922, MedGen C1837342, MONDO:0012127, OMIM 608807.
Dilated cardiomyopathy 1G (CMD1G). Identifiers: Orphanet 154, MedGen C1858763, MONDO:0011400, OMIM 604145.

Submission:

Labcorp Genetics (formerly Invitae), Labcorp
Classification: Likely pathogenic for Dilated cardiomyopathy 1G; Autosomal recessive limb-girdle muscular dystrophy type 2J. Last evaluated: 2023-12-01. Review status: criteria provided, single submitter. Criteria: Invitae Variant Classification Sherloc (09022015). Collection method: clinical testing. Allele origin: germline.
Comment: This sequence change creates a premature translational stop signal (p.Glu20442*) in the TTN gene. While this is not anticipated to result in nonsense mediated decay, it is expected to create a truncated TTN protein. This variant is not present in population databases (gnomAD no frequency). This variant has not been reported in the literature in individuals affected with TTN-related conditions. This variant is located in the A band of TTN (PMID: 25589632). Truncating variants in this region are significantly overrepresented in patients affected with dilated cardiomyopathy (PMID: 25589632). Truncating variants in this region have also been reported in individuals affected with autosomal recessive centronuclear myopathy (PMID: 23975875). In summary, the currently available evidence indicates that the variant is pathogenic, but additional data are needed to prove that conclusively. Therefore, this variant has been classified as Likely Pathogenic.

Literature cited by the submitters: PubMed 25589632; PubMed 23975875.

NM_001267550.2(TTN):c.61323dup (p.Glu20442Ter)

Genes: TTN (titin; minus strand), TTN-AS1 (TTN antisense RNA 1; plus strand). Cytogenetic location: 2q31.2.
Variant type: Duplication.
Coding change: c.61323dup on transcript NM_001267550.2 (MANE Select); coding-DNA position 61323, one base duplicated (T; older notation c.61323dupT).
Protein change: p.Glu20442Ter; replaces glutamic acid 20442 with a stop codon.
Molecular consequence: nonsense.
Genome position (GRCh38, 1-based): chr2:178,590,402, A duplicated on the plus strand (T on the coding strand, the reverse complement: TTN is on the minus strand). VCF-style (leftmost placement, unchanged base first): chr2-178590401-C-CA. GRCh37 (hg19) VCF-style: chr2-179455128-C-CA.
Other names: c.56400dup, p.Glu18801Ter (NM_001256850.1); c.34128dup, p.Glu11377Ter (NM_003319.4); c.53619dup, p.Glu17874Ter (NM_133378.4); c.34503dup, p.Glu11502Ter (NM_133432.3); c.34704dup, p.Glu11569Ter (NM_133437.4); short protein forms E17874*, E11377*, E11502*, E11569*, E18801*, E20442*.
Identifiers: ClinVar variation 2954321 (VCV002954321.3), dbSNP rs2469434605, ClinGen allele CA2740096086.
Genomic context (GRCh38, chr2:178,590,401, plus strand): 5'-CTAGTTCTCTTGGCTCACCCTCTCCTACAATATTAGCTGCCTTTATACGGAATCTGTACT[C>CA]ATTTCCTTCAATTAGTCCAGGTACCCTAAAGGCACATTGCCTAATGAGTTCATCTTTATT-3'